The following is an entry in ClinVar:

ClinVar aggregate classification (germline): Benign (1 of 4 stars; one submission).

Submission:

Molecular Diagnostic Laboratory for Inherited Cardiovascular Disease, Montreal Heart Institute
Classification: Benign. Last evaluated: 2026-09-21. Review status: criteria provided, single submitter. Criteria: ACMG Guidelines, 2015. Collection method: clinical testing. Allele origin: germline. Affected: no.
Comment: BA1

NM_004006.3(DMD):c.9807+8269A>G

Gene: DMD (dystrophin; minus strand). Cytogenetic location: Xp21.2.
Variant type: single nucleotide variant.
Coding change: c.9807+8269A>G on transcript NM_004006.3 (MANE Select); 8269 bases into the intron after coding-DNA position 9807, A replaced by G.
Molecular consequence: intron variant.
Genome position (GRCh38, 1-based): chrX:31,195,692, T>C on the plus strand (A>G on the coding strand, the complement: DMD is on the minus strand). VCF-style: chrX-31195692-T-C. GRCh37 (hg19) VCF-style: chrX-31213809-T-C.
Other names: c.9783+8269A>G (NM_000109.4); c.5784+8269A>G (NM_004011.4); c.5775+8269A>G (NM_004012.4); c.2427+8269A>G (NM_004023.3, NM_004020.4, NM_004022.3 and 2 more transcripts); c.1620+8269A>G (NM_004014.3); c.603+8269A>G (NM_004018.3, NM_004017.3, NM_004016.3 and 2 more transcripts); c.9795+8269A>G (NM_004009.3); c.9438+8269A>G (NM_004010.3).
Identifiers: ClinVar variation 5037874 (VCV005037874.1), dbSNP rs5927699.